The following is an entry in ClinVar:

ClinVar aggregate classification (germline): Uncertain significance. Review status: criteria provided, multiple submitters, no conflicts (2 of 4 stars). 3 submissions from 3 submitters: Uncertain significance (3). Last evaluated 2026-06-24.

Conditions:
Hereditary pheochromocytoma and paraganglioma. Also called: Hereditary paragangliomas and pheochromocytomas; Hereditary Paraganglioma-Pheochromocytoma Syndromes; Hereditary pheochromocytoma-paraganglioma. Identifiers: Orphanet 29072, MedGen C4274332, MONDO:0017366.
Hereditary cancer-predisposing syndrome. Also called: Tumor predisposition; Hereditary Cancer Syndrome; Neoplastic Syndromes, Hereditary; Hereditary neoplastic syndrome. Identifiers: Orphanet 140162, MedGen C0027672, MeSH D009386, MONDO:0015356.

Allele frequency attached by ClinVar (database versions not stated): gnomAD exomes below 0.00001; ExAC 0.00001.
gnomAD v4.1: 2 of 1,614,076 alleles (0.00012%); highest among the groups gnomAD compares: Admixed American, 0.0017%; no homozygotes.

Submissions (3):

Ambry Genetics
Classification: Uncertain significance for Hereditary cancer-predisposing syndrome. Last evaluated: 2026-06-24. Review status: criteria provided, single submitter. Criteria: Ambry Variant Classification Scheme 2023. Collection method: clinical testing. Allele origin: germline.
Comment: The p.W55R variant (also known as c.163T>C), located in coding exon 2 of the SDHAF2 gene, results from a T to C substitution at nucleotide position 163. The tryptophan at codon 55 is replaced by arginine, an amino acid with dissimilar properties. This amino acid position is highly conserved in available vertebrate species. In addition, this alteration is predicted to be deleterious by in silico analysis. Based on the available evidence, the clinical significance of this variant remains unclear.

Labcorp Genetics (formerly Invitae), Labcorp
Classification: Uncertain significance for Hereditary pheochromocytoma and paraganglioma. Last evaluated: 2025-07-21. Review status: criteria provided, single submitter. Criteria: Invitae Variant Classification Sherloc (09022015). Collection method: clinical testing. Allele origin: germline.
Comment: This sequence change replaces tryptophan, which is neutral and slightly polar, with arginine, which is basic and polar, at codon 55 of the SDHAF2 protein (p.Trp55Arg). This variant is present in population databases (rs771133722, gnomAD 0.003%). This variant has not been reported in the literature in individuals affected with SDHAF2-related conditions. ClinVar contains an entry for this variant (Variation ID: 3071143). An algorithm developed to predict the effect of missense changes on protein structure and function (PolyPhen-2) suggests that this variant is likely to be disruptive. In summary, the available evidence is currently insufficient to determine the role of this variant in disease. Therefore, it has been classified as a Variant of Uncertain Significance.

All of Us Research Program, National Institutes of Health
Classification: Uncertain significance for Hereditary pheochromocytoma and paraganglioma. Last evaluated: 2024-07-29. Review status: criteria provided, single submitter. Criteria: ACMG Guidelines, 2015. Collection method: clinical testing. Allele origin: germline. Inheritance: Autosomal dominant inheritance. Observed: 2 variant alleles, 2 heterozygotes.
Comment: This missense variant replaces tryptophan with arginine at codon 55 of the SDHAF2 protein. Computational prediction is inconclusive regarding the impact of this variant on protein structure and function (internally defined REVEL score threshold 0.5 < inconclusive < 0.7, PMID: 27666373). To our knowledge, functional studies have not been reported for this variant. This variant has not been reported in individuals affected with SDHAF2-related disorders in the literature. This variant has been identified in 2/251302 chromosomes in the general population by the Genome Aggregation Database (gnomAD). The available evidence is insufficient to determine the role of this variant in disease conclusively. Therefore, this variant is classified as a Variant of Uncertain Significance.

This study involves interpretation of variants in research participants for the purpose of population health screening. Participant phenotype was not available at the time of variant classification. Additional details can be found in publication PMID: 35346344, PMCID: PMC8962531

NM_017841.4(SDHAF2):c.163T>C (p.Trp55Arg)

Gene: SDHAF2 (succinate dehydrogenase complex assembly factor 2; plus strand). Cytogenetic location: 11q12.2.
Variant type: single nucleotide variant.
Coding change: c.163T>C on transcript NM_017841.4 (MANE Select); coding-DNA position 163, T replaced by C.
Protein change: p.Trp55Arg; replaces tryptophan 55 with arginine.
Molecular consequence: missense variant.
Genome position (GRCh38, 1-based): chr11:61,437,751, T>C. VCF-style: chr11-61437751-T-C. GRCh37 (hg19) VCF-style: chr11-61205223-T-C.
Other names: short protein forms W55R.
Identifiers: ClinVar variation 3071143 (VCV003071143.4), dbSNP rs771133722, ClinGen allele CA057866.